The following is an entry in ClinVar:

NM_021072.4(HCN1):c.79G>A (p.Ala27Thr)

Gene: HCN1 (hyperpolarization activated cyclic nucleotide gated potassium channel 1; minus strand). Cytogenetic location: 5p12.
Variant type: single nucleotide variant.
Coding change: c.79G>A on transcript NM_021072.4 (MANE Select); coding-DNA position 79, G replaced by A.
Protein change: p.Ala27Thr; replaces alanine 27 with threonine.
Molecular consequence: missense variant.
Genome position (GRCh38, 1-based): chr5:45,696,015, C>T on the plus strand (G>A on the coding strand, the complement: HCN1 is on the minus strand). VCF-style: chr5-45696015-C-T. GRCh37 (hg19) VCF-style: chr5-45696117-C-T.
Other names: short protein forms A27T.
Identifiers: ClinVar variation 853010 (VCV000853010.10), dbSNP rs1740005870, ClinGen allele CA359706788.

ClinVar aggregate classification (germline): Uncertain significance (1 of 4 stars; one submission).

Conditions:
Early-infantile DEE. Also called: Ohtahara syndrome; Early infantile epileptic encephalopathy with suppression bursts; Early infantile epileptic encephalopathy. Identifiers: Orphanet 1934, MedGen C0393706, MONDO:0800491.

Submission:

Labcorp Genetics (formerly Invitae), Labcorp
Classification: Uncertain significance for Early-infantile DEE. Last evaluated: 2022-03-23. Review status: criteria provided, single submitter. Criteria: Invitae Variant Classification Sherloc (09022015). Collection method: clinical testing. Allele origin: germline.
Comment: ClinVar contains an entry for this variant (Variation ID: 853010). This variant has not been reported in the literature in individuals affected with HCN1-related conditions. This variant is not present in population databases (gnomAD no frequency). This sequence change replaces alanine, which is neutral and non-polar, with threonine, which is neutral and polar, at codon 27 of the HCN1 protein (p.Ala27Thr). Advanced modeling of protein sequence and biophysical properties (such as structural, functional, and spatial information, amino acid conservation, physicochemical variation, residue mobility, and thermodynamic stability) performed at Invitae indicates that this missense variant is not expected to disrupt HCN1 protein function. In summary, the available evidence is currently insufficient to determine the role of this variant in disease. Therefore, it has been classified as a Variant of Uncertain Significance.